The following is an entry in ClinVar:

NM_001393769.1(MED12L):c.1891G>T (p.Ala631Ser)

Gene: MED12L (mediator complex subunit 12L; plus strand). Cytogenetic location: 3q25.1.
Variant type: single nucleotide variant.
Coding change: c.1891G>T on transcript NM_001393769.1 (MANE Select); coding-DNA position 1891, G replaced by T.
Protein change: p.Ala631Ser; replaces alanine 631 with serine.
Molecular consequence: missense variant.
Genome position (GRCh38, 1-based): chr3:151,190,854, G>T. VCF-style: chr3-151190854-G-T. GRCh37 (hg19) VCF-style: chr3-150908641-G-T.
Other names: c.1891G>T, p.Ala631Ser (NM_053002.6); short protein forms A631S.
Identifiers: ClinVar variation 4882152 (VCV004882152.2).

ClinVar aggregate classification (germline): Uncertain significance (1 of 4 stars; one submission).

gnomAD v4.1: 2 of 1,614,152 alleles (0.00012%); highest among the groups gnomAD compares: Admixed American, 0.0033%; no homozygotes.

Submission:

Dasa
Classification: Uncertain significance. Last evaluated: 2026-01-21. Review status: criteria provided, single submitter. Criteria: DASA Assertion Criteria. Collection method: clinical testing. Allele origin: germline.
Comment: NM_001393769.1(MED12L):c.1891G>T (p.Ala631Ser) is a missense variant that results in the substitution of alanine with serine. This variant is rare in population databases. Computational prediction algorithms are consistent with a benign effect. The currently available literature and clinical evidence are not sufficient to establish a definitive association between this variant and the reported condition. Therefore, this variant is classified as a variant of uncertain significance.